The following is an entry in ClinVar:

ClinVar aggregate classification (germline): Uncertain significance (1 of 4 stars; one submission).

Conditions:
Pierpont syndrome (PRPTS). Identifiers: Orphanet 487825, MedGen C1865644, MONDO:0011213, OMIM 602342.

Submission:

Labcorp Genetics (formerly Invitae), Labcorp
Classification: Uncertain significance for Pierpont syndrome. Last evaluated: 2022-07-12. Review status: criteria provided, single submitter. Criteria: Invitae Variant Classification Sherloc (09022015). Collection method: clinical testing. Allele origin: germline.
Comment: This variant has not been reported in the literature in individuals affected with TBL1XR1-related conditions. ClinVar contains an entry for this variant (Variation ID: 1503042). Advanced modeling of protein sequence and biophysical properties (such as structural, functional, and spatial information, amino acid conservation, physicochemical variation, residue mobility, and thermodynamic stability) performed at Invitae indicates that this missense variant is not expected to disrupt TBL1XR1 protein function. In summary, the available evidence is currently insufficient to determine the role of this variant in disease. Therefore, it has been classified as a Variant of Uncertain Significance. This variant is not present in population databases (gnomAD no frequency). This sequence change replaces valine, which is neutral and non-polar, with leucine, which is neutral and non-polar, at codon 164 of the TBL1XR1 protein (p.Val164Leu).

NM_024665.7(TBL1XR1):c.490G>C (p.Val164Leu)

Gene: TBL1XR1 (TBL1X/Y related 1; minus strand). Cytogenetic location: 3q26.32.
Variant type: single nucleotide variant.
Coding change: c.490G>C on transcript NM_024665.7 (MANE Select); coding-DNA position 490, G replaced by C.
Protein change: p.Val164Leu; replaces valine 164 with leucine.
Molecular consequence: missense variant.
Genome position (GRCh38, 1-based): chr3:177,050,548, C>G on the plus strand (G>C on the coding strand, the complement: TBL1XR1 is on the minus strand). VCF-style: chr3-177050548-C-G. GRCh37 (hg19) VCF-style: chr3-176768336-C-G.
Other names: c.490G>C, p.Val164Leu (NM_001374327.1, NM_001374328.1, NM_001374329.1 and 2 more transcripts); c.229G>C, p.Val77Leu (NM_001374330.1, NM_001321195.3); short protein forms V164L, V77L.
Identifiers: ClinVar variation 1503042 (VCV001503042.8), dbSNP rs2108492388, ClinGen allele CA355552871.
Genomic context (GRCh38, chr3:177,050,548, plus strand): 5'-GGAGATCACTAACAGGGTTCCAGGCACAGATAAAAACTTCAGATTCATGGCCCCGCAACA[C>G]AACAGCTTTATTAGGAGGGATTTCAACATCCCCATCCACTTCCATCATATCAGTATGATT-3'
Protein context (NP_078941.2, residues 154-174): DVEIPPNKAV[Val164Leu]LRGHESEVFI